The following is an entry in ClinVar:

ClinVar aggregate classification (germline): Uncertain significance (1 of 4 stars; one submission).

Conditions:
Angelman syndrome-like. Identifiers: MedGen CN128785.
Developmental and epileptic encephalopathy, 2 (DEE2). Also called: INFANTILE SPASM SYNDROME, X-LINKED 2; CDKL5 deficiency disorder. Identifiers: Orphanet 1934, Orphanet 3451, Orphanet 505652, MedGen C4750718, MONDO:0010396, OMIM 300672.

Submission:

Labcorp Genetics (formerly Invitae), Labcorp
Classification: Uncertain significance for Developmental and epileptic encephalopathy, 2; Angelman syndrome-like. Last evaluated: 2024-01-08. Review status: criteria provided, single submitter. Criteria: Invitae Variant Classification Sherloc (09022015). Collection method: clinical testing. Allele origin: germline.
Comment: This sequence change replaces valine, which is neutral and non-polar, with leucine, which is neutral and non-polar, at codon 92 of the CDKL5 protein (p.Val92Leu). This variant is not present in population databases (gnomAD no frequency). This variant has not been reported in the literature in individuals affected with CDKL5-related conditions. ClinVar contains an entry for this variant (Variation ID: 1374001). Advanced modeling of protein sequence and biophysical properties (such as structural, functional, and spatial information, amino acid conservation, physicochemical variation, residue mobility, and thermodynamic stability) performed at Invitae indicates that this missense variant is expected to disrupt CDKL5 protein function with a positive predictive value of 95%. In summary, the available evidence is currently insufficient to determine the role of this variant in disease. Therefore, it has been classified as a Variant of Uncertain Significance.

NM_001323289.2(CDKL5):c.274G>C (p.Val92Leu)

Gene: CDKL5 (cyclin dependent kinase like 5; plus strand). Cytogenetic location: Xp22.13.
Variant type: single nucleotide variant.
Coding change: c.274G>C on transcript NM_001323289.2 (MANE Select); coding-DNA position 274, G replaced by C.
Protein change: p.Val92Leu; replaces valine 92 with leucine.
Molecular consequence: missense variant.
Genome position (GRCh38, 1-based): chrX:18,575,482, G>C. VCF-style: chrX-18575482-G-C. GRCh37 (hg19) VCF-style: chrX-18593602-G-C.
Other names: c.274G>C, p.Val92Leu (NM_001037343.2, NM_003159.3); short protein forms V92L.
Identifiers: ClinVar variation 1374001 (VCV001374001.8), dbSNP rs2147139679, ClinGen allele CA412348890.